The following is an entry in ClinVar:

NM_003073.5(SMARCB1):c.608C>G (p.Ala203Gly)

Gene: SMARCB1 (SWI/SNF related BAF chromatin remodeling complex subunit B1; plus strand). Cytogenetic location: 22q11.23.
Variant type: single nucleotide variant.
Coding change: c.608C>G on transcript NM_003073.5 (MANE Select); coding-DNA position 608, C replaced by G.
Protein change: p.Ala203Gly; replaces alanine 203 with glycine.
Molecular consequence: missense variant.
Genome position (GRCh38, 1-based): chr22:23,803,402, C>G. VCF-style: chr22-23803402-C-G. GRCh37 (hg19) VCF-style: chr22-24145589-C-G.
Other names: c.581C>G, p.Ala194Gly (NM_001007468.3); c.635C>G, p.Ala212Gly (NM_001317946.2); c.662C>G, p.Ala221Gly (NM_001362877.2); short protein forms A221G, A194G, A203G, A212G.
Identifiers: ClinVar variation 5029924 (VCV005029924.1).
Genomic context (GRCh38, chr22:23,803,402, plus strand): 5'-CCGAGGTGCTGGTCCCCATCCGGCTGGACATGGAGATCGATGGGCAGAAGCTGCGAGACG[C>G]CTTCACCTGGAACATGAATGGTACAAGGCAGTCGGGCTTGGCTGGGCCTGGCCCCAACCC-3'
Protein context (NP_003064.2, residues 193-213): MEIDGQKLRD[Ala203Gly]FTWNMNEKLM

ClinVar aggregate classification (germline): Uncertain significance (1 of 4 stars; one submission).

Conditions:
Hereditary cancer-predisposing syndrome. Also called: Neoplastic Syndromes, Hereditary; Tumor predisposition; Hereditary neoplastic syndrome; Hereditary Cancer Syndrome. Identifiers: Orphanet 140162, MedGen C0027672, MeSH D009386, MONDO:0015356.

Submission:

Ambry Genetics
Classification: Uncertain significance for Hereditary cancer-predisposing syndrome. Last evaluated: 2026-07-06. Review status: criteria provided, single submitter. Criteria: Ambry Variant Classification Scheme 2023. Collection method: clinical testing. Allele origin: germline.
Comment: The p.A203G variant (also known as c.608C>G), located in coding exon 5 of the SMARCB1 gene, results from a C to G substitution at nucleotide position 608. The alanine at codon 203 is replaced by glycine, an amino acid with similar properties. This amino acid position is conserved. In addition, the in silico prediction for this alteration is inconclusive. Based on the available evidence, the clinical significance of this variant remains unclear.